The following is an entry in ClinVar:

ClinVar aggregate classification (germline): Uncertain significance. Review status: criteria provided, multiple submitters, no conflicts (2 of 4 stars). 3 submissions from 3 submitters: Uncertain significance (2). 1 of the submissions does not count toward it. Last evaluated 2025-12-09.

Conditions:
Deficiency of hyaluronoglucosaminidase (MPS9). Also called: Mucopolysaccharidosis type 9; HYALURONIDASE DEFICIENCY; MPS IX. Identifiers: Orphanet 67041, MedGen C1291490, MONDO:0011093, OMIM 601492.

Allele frequency attached by ClinVar (database versions not stated): gnomAD exomes 0.00001; gnomAD 0.00004 and 0.00005; TOPMed 0.00007.
gnomAD v4.1: 16 of 1,613,764 alleles (0.00099%); highest among the groups gnomAD compares: African/African-American, 0.021%; no homozygotes.

Submissions (3):

Ambry Genetics
Classification: Uncertain significance. Last evaluated: 2025-12-09. Review status: criteria provided, single submitter. Criteria: Ambry Variant Classification Scheme 2023. Collection method: clinical testing. Allele origin: germline.

Labcorp Genetics (formerly Invitae), Labcorp
Classification: Uncertain significance for Deficiency of hyaluronoglucosaminidase. Last evaluated: 2021-08-26. Review status: criteria provided, single submitter. Criteria: Invitae Variant Classification Sherloc (09022015). Collection method: clinical testing. Allele origin: germline.
Comment: This sequence change replaces tryptophan with serine at codon 182 of the HYAL1 protein (p.Trp182Ser). The tryptophan residue is moderately conserved and there is a large physicochemical difference between tryptophan and serine. This variant is not present in population databases (ExAC no frequency). This variant has not been reported in the literature in individuals affected with HYAL1-related conditions. Algorithms developed to predict the effect of missense changes on protein structure and function (SIFT, PolyPhen-2, Align-GVGD) all suggest that this variant is likely to be disruptive. In summary, the available evidence is currently insufficient to determine the role of this variant in disease. Therefore, it has been classified as a Variant of Uncertain Significance.

Natera, Inc.
Classification: Uncertain significance for Mucopolysaccharidosis type IX. Last evaluated: 2021-02-03. Review status: no assertion criteria provided. Collection method: clinical testing. Allele origin: germline. Not counted in ClinVar's aggregate classification.

NM_033159.4(HYAL1):c.545G>C (p.Trp182Ser)

Gene: HYAL1 (hyaluronidase 1; minus strand). Cytogenetic location: 3p21.31.
Variant type: single nucleotide variant.
Coding change: c.545G>C on transcript NM_033159.4 (MANE Select); coding-DNA position 545, G replaced by C.
Protein change: p.Trp182Ser; replaces tryptophan 182 with serine.
Molecular consequence: missense variant. On other transcripts: 5 prime UTR variant (1), non-coding transcript variant (1), intron variant (1).
Genome position (GRCh38, 1-based): chr3:50,302,412, C>G on the plus strand (G>C on the coding strand, the complement: HYAL1 is on the minus strand). VCF-style: chr3-50302412-C-G. GRCh37 (hg19) VCF-style: chr3-50339843-C-G.
Other names: c.545G>C, p.Trp182Ser (NM_007312.3, NM_153281.2, NM_153282.3); c.545G>C (NM_153281.1); c.-2G>C (NM_153283.3); c.-26-207G>C (NM_153285.3); short protein forms W182S.
Identifiers: ClinVar variation 1014561 (VCV001014561.9), dbSNP rs1346505806, ClinGen allele CA352893687.
Genomic context (GRCh38, chr3:50,302,412, plus strand): 5'-TAGAAGCCCCAGAGGCCGCGAGGACGCAGTGCCCGCCCCAGCTGGAGGGTGCCTGCCATC[C>G]AGGCCCGTGCAGCTCCCTGGAACTGGTCCTGGGCTACTGCCTCCACCTGAGGAGCTGGCC-3'
Protein context (NP_149349.2, residues 172-192): QDQFQGAARA[Trp182Ser]MAGTLQLGRA